The following is an entry in ClinVar:

NM_000432.4(MYL2):c.238A>G (p.Thr80Ala)

Gene: MYL2 (myosin light chain 2; minus strand). Cytogenetic location: 12q24.11.
Variant type: single nucleotide variant.
Coding change: c.238A>G on transcript NM_000432.4 (MANE Select); coding-DNA position 238, A replaced by G.
Protein change: p.Thr80Ala; replaces threonine 80 with alanine.
Molecular consequence: missense variant.
Genome position (GRCh38, 1-based): chr12:110,914,222, T>C on the plus strand (A>G on the coding strand, the complement: MYL2 is on the minus strand). VCF-style: chr12-110914222-T-C. GRCh37 (hg19) VCF-style: chr12-111352026-T-C.
Other names: c.196A>G, p.Thr66Ala (NM_001406745.1); c.181A>G, p.Thr61Ala (NM_001406916.1); short protein forms T66A, T61A, T80A.
Identifiers: ClinVar variation 4995290 (VCV004995290.1).

ClinVar aggregate classification (germline): Uncertain significance (1 of 4 stars; one submission).

Conditions:
MYL2-related disorder. Also called: MYL2-related condition; MYL2-related disease; MYL2-related disorders.

Submission:

PreventionGenetics, part of Exact Sciences
Classification: Uncertain significance for MYL2-related condition. Last evaluated: 2026-01-23. Review status: criteria provided, single submitter. Criteria: ACMG Guidelines, 2015. Collection method: clinical testing. Allele origin: germline.
Comment: The MYL2 c.238A>G variant is predicted to result in the amino acid substitution p.Thr80Ala. This variant has been reported in a neonate with Wolff-Parkinson-White syndrome, presenting with cardiogenic shock (Ha et al. 2021. doi: 10.5385/nm.2021.28.2.77). However, this variant was inherited from the unaffected father. This variant has not been reported in a large population database (gnomAD), indicating it is rare. An alternate missense change at the same amino acid position (p.Thr80Asn) has been reported in individuals affected with hypertrophic cardiomyopathy (ClinVar ID: 155818). Although we suspect that this variant may be pathogenic, at this time, the clinical significance of this variant is uncertain due to the absence of conclusive functional and genetic evidence.